The following is an entry in ClinVar:

ClinVar aggregate classification (germline): Uncertain significance. Review status: criteria provided, multiple submitters, no conflicts (2 of 4 stars). 3 submissions from 3 submitters: Uncertain significance (3). Last evaluated 2024-09-09.

Conditions:
Inborn genetic diseases. Identifiers: MedGen C0950123, MeSH D030342.
Isolated microphthalmia 3 (MCOPS16). Also called: MICROPHTHALMIA, SYNDROMIC 16. Identifiers: Orphanet 2542, MedGen C5774181, MONDO:0012604, OMIM 611038.

gnomAD v4.1: 4 of 1,614,262 alleles (0.00025%); highest among the groups gnomAD compares: Admixed American, 0.0017%; no homozygotes.

Submissions (3):

Ambry Genetics
Classification: Uncertain significance for Inborn genetic diseases. Last evaluated: 2024-09-09. Review status: criteria provided, single submitter. Criteria: Ambry Variant Classification Scheme 2023. Collection method: clinical testing. Allele origin: germline.

GeneDx
Classification: Uncertain significance. Last evaluated: 2022-05-25. Review status: criteria provided, single submitter. Criteria: GeneDx Variant Classification Process June 2021. Collection method: clinical testing. Allele origin: germline. Affected: yes.
Comment: Not observed at significant frequency in large population cohorts (gnomAD); In silico analysis supports that this missense variant has a deleterious effect on protein structure/function; Has not been previously published as pathogenic or benign to our knowledge

Revvity Omics, Revvity
Classification: Uncertain significance for Isolated microphthalmia 3. Last evaluated: 2021-08-09. Review status: criteria provided, single submitter. Criteria: ACMG Guidelines, 2015. Collection method: clinical testing. Allele origin: germline.

NM_013435.3(RAX):c.497G>C (p.Arg166Pro)

Gene: RAX (retina and anterior neural fold homeobox; minus strand). Cytogenetic location: 18q21.32.
Variant type: single nucleotide variant.
Coding change: c.497G>C on transcript NM_013435.3 (MANE Select); coding-DNA position 497, G replaced by C.
Protein change: p.Arg166Pro; replaces arginine 166 with proline.
Molecular consequence: missense variant.
Genome position (GRCh38, 1-based): chr18:59,272,407, C>G on the plus strand (G>C on the coding strand, the complement: RAX is on the minus strand). VCF-style: chr18-59272407-C-G. GRCh37 (hg19) VCF-style: chr18-56939639-C-G.
Other names: short protein forms R166P.
Identifiers: ClinVar variation 1801041 (VCV001801041.5), dbSNP rs754301606, ClinGen allele CA8979334.